The following is an entry in ClinVar:

NM_033305.3(VPS13A):c.6371A>G (p.Tyr2124Cys)

Gene: VPS13A (vacuolar protein sorting 13 homolog A; plus strand). Cytogenetic location: 9q21.2.
Variant type: single nucleotide variant.
Coding change: c.6371A>G on transcript NM_033305.3 (MANE Select); coding-DNA position 6371, A replaced by G.
Protein change: p.Tyr2124Cys; replaces tyrosine 2124 with cysteine.
Molecular consequence: missense variant.
Genome position (GRCh38, 1-based): chr9:77,337,530, A>G. VCF-style: chr9-77337530-A-G. GRCh37 (hg19) VCF-style: chr9-79952446-A-G.
Other names: c.6254A>G, p.Tyr2085Cys (NM_001018037.2); c.6371A>G, p.Tyr2124Cys (NM_001018038.3, NM_015186.4); c.6371A>G (NM_033305.2); short protein forms Y2124C, Y2085C.
Identifiers: ClinVar variation 2195426 (VCV002195426.5), dbSNP rs370288459, ClinGen allele CA5092994.

ClinVar aggregate classification (germline): Uncertain significance. Review status: criteria provided, multiple submitters, no conflicts (2 of 4 stars). 3 submissions from 3 submitters: Uncertain significance (3). Last evaluated 2025-11-28.

Conditions:
Inborn genetic diseases. Identifiers: MedGen C0950123, MeSH D030342.

Allele frequency attached by ClinVar (database versions not stated): ExAC 0.00002; gnomAD 0.00002; TOPMed 0.00002; ESP Exome Variant Server 0.00008.
gnomAD v4.1: 81 of 1,611,560 alleles (0.005%); highest among the groups gnomAD compares: Non-Finnish European, 0.0064%; no homozygotes.

Submissions (3):

Labcorp Genetics (formerly Invitae), Labcorp
Classification: Uncertain significance. Last evaluated: 2025-11-28. Review status: criteria provided, single submitter. Criteria: Invitae Variant Classification Sherloc (09022015). Collection method: clinical testing. Allele origin: germline.
Comment: This sequence change replaces tyrosine, which is neutral and polar, with cysteine, which is neutral and slightly polar, at codon 2124 of the VPS13A protein (p.Tyr2124Cys). This variant is present in population databases (rs370288459, gnomAD 0.007%). This variant has not been reported in the literature in individuals affected with VPS13A-related conditions. ClinVar contains an entry for this variant (Variation ID: 2195426). Invitae Evidence Modeling of protein sequence and biophysical properties (such as structural, functional, and spatial information, amino acid conservation, physicochemical variation, residue mobility, and thermodynamic stability) indicates that this missense variant is expected to disrupt VPS13A protein function with a positive predictive value of 80%. In summary, the available evidence is currently insufficient to determine the role of this variant in disease. Therefore, it has been classified as a Variant of Uncertain Significance.

GeneDx
Classification: Uncertain significance. Last evaluated: 2025-04-03. Review status: criteria provided, single submitter. Criteria: GeneDx Variant Classification Process June 2021. Collection method: clinical testing. Allele origin: germline. Affected: yes.
Comment: Not observed at significant frequency in large population cohorts (gnomAD); In silico analysis indicates that this missense variant does not alter protein structure/function; Has not been previously published as pathogenic or benign to our knowledge

Ambry Genetics
Classification: Uncertain significance for Inborn genetic diseases. Last evaluated: 2024-12-10. Review status: criteria provided, single submitter. Criteria: Ambry Variant Classification Scheme 2023. Collection method: clinical testing. Allele origin: germline.